The following is an entry in ClinVar:

ClinVar aggregate classification (germline): Uncertain significance (1 of 4 stars; one submission).

Conditions:
HNSHA due to aldolase A deficiency (GSD12). Also called: GLYCOGEN STORAGE DISEASE XII; GSD XII; RED CELL ALDOLASE DEFICIENCY; Glycogen storage disease due to aldolase A deficiency. Identifiers: Orphanet 57, MedGen C0272066, MONDO:0012747, OMIM 611881.

gnomAD v4.1: 2 of 1,613,384 alleles (0.00012%); highest among the groups gnomAD compares: African/African-American, 0.0013%; no homozygotes.

Submission:

Labcorp Genetics (formerly Invitae), Labcorp
Classification: Uncertain significance for HNSHA due to aldolase A deficiency. Last evaluated: 2024-08-09. Review status: criteria provided, single submitter. Criteria: Invitae Variant Classification Sherloc (09022015). Collection method: clinical testing. Allele origin: germline.
Comment: This sequence change replaces isoleucine, which is neutral and non-polar, with threonine, which is neutral and polar, at codon 74 of the ALDOA protein (p.Ile74Thr). This variant is not present in population databases (gnomAD no frequency). This variant has not been reported in the literature in individuals affected with ALDOA-related conditions. An algorithm developed to predict the effect of missense changes on protein structure and function (PolyPhen-2) suggests that this variant is likely to be disruptive. In summary, the available evidence is currently insufficient to determine the role of this variant in disease. Therefore, it has been classified as a Variant of Uncertain Significance.

NM_001243177.4(ALDOA):c.383T>C (p.Ile128Thr)

Genes: ALDOA (aldolase, fructose-bisphosphate A; plus strand), LOC112694756 (uncharaterized LOC112694756; plus strand). Cytogenetic location: 16p11.2.
Variant type: single nucleotide variant.
Coding change: c.383T>C on transcript NM_001243177.4 (MANE Select); coding-DNA position 383, T replaced by C.
Protein change: p.Ile128Thr; replaces isoleucine 128 with threonine.
Molecular consequence: missense variant. On other transcripts: 3 prime UTR variant (3).
Genome position (GRCh38, 1-based): chr16:30,067,558, T>C. VCF-style: chr16-30067558-T-C. GRCh37 (hg19) VCF-style: chr16-30078879-T-C.
Other names: c.*730T>C (NM_001365304.2, NM_001365305.2, NM_001365307.2); c.221T>C, p.Ile74Thr (NM_001127617.2, NM_184041.5, NM_184043.2); short protein forms I74T, I128T.
Identifiers: ClinVar variation 3677080 (VCV003677080.2).